The following is an entry in ClinVar:

NM_001048174.2(MUTYH):c.704G>A (p.Trp235Ter)

Gene: MUTYH (mutY DNA glycosylase; minus strand). Cytogenetic location: 1p34.1.
Variant type: single nucleotide variant.
Coding change: c.704G>A on transcript NM_001048174.2 (MANE Select); coding-DNA position 704, G replaced by A.
Protein change: p.Trp235Ter; replaces tryptophan 235 with a stop codon.
Molecular consequence: nonsense. On other transcripts: non-coding transcript variant (2).
Genome position (GRCh38, 1-based): chr1:45,332,391, C>T on the plus strand (G>A on the coding strand, the complement: MUTYH is on the minus strand). VCF-style: chr1-45332391-C-T. GRCh37 (hg19) VCF-style: chr1-45798063-C-T.
Other names: c.704G>A, p.Trp235Ter (NM_001048171.2, NM_001048173.2, NM_001293195.2); c.707G>A, p.Trp236Ter (NM_001048172.2); c.788G>A, p.Trp263Ter (NM_001128425.2); c.749G>A, p.Trp250Ter (NM_001293190.2); c.737G>A, p.Trp246Ter (NM_001293191.2); c.428G>A, p.Trp143Ter (NM_001293192.2, NM_001293196.2); c.359G>A, p.Trp120Ter (NM_001350650.2, NM_001350651.2); c.779G>A, p.Trp260Ter (NM_012222.3); short protein forms W236*, W250*, W143*, W246*, W120*, W260*, W263*, W235*.
Identifiers: ClinVar variation 641274 (VCV000641274.23), dbSNP rs1570406302, ClinGen allele CA340134745.

ClinVar aggregate classification (germline): Pathogenic. Review status: criteria provided, single submitter (1 of 4 stars). 2 submissions from 2 submitters: Pathogenic (1). 1 of the submissions does not count toward it. Last evaluated 2024-07-24.

Conditions:
Familial adenomatous polyposis 2. Also called: COLORECTAL ADENOMATOUS POLYPOSIS, AUTOSOMAL RECESSIVE; FAP type 2; MUTYH-associated polyposis; MUTYH Polyposis; ADENOMAS, MULTIPLE COLORECTAL, AUTOSOMAL RECESSIVE; Adenomas, multiple colorectal. Identifiers: Orphanet 220460, Orphanet 247798, MedGen C3272841, MONDO:0012041, OMIM 608456.
Gastric cancer. Also called: Malignant tumor of stomach; Stomach cancer. Identifiers: MedGen C0024623, MeSH D013274, MONDO:0001056, OMIM 613659, HP:0012126.

Submissions (2):

Labcorp Genetics (formerly Invitae), Labcorp
Classification: Pathogenic for Familial adenomatous polyposis 2. Last evaluated: 2024-07-24. Review status: criteria provided, single submitter. Criteria: Invitae Variant Classification Sherloc (09022015). Collection method: clinical testing. Allele origin: germline.
Comment: This sequence change creates a premature translational stop signal (p.Trp263*) in the MUTYH gene. It is expected to result in an absent or disrupted protein product. Loss-of-function variants in MUTYH are known to be pathogenic (PMID: 18534194, 20663686). This variant is not present in population databases (gnomAD no frequency). This variant has not been reported in the literature in individuals affected with MUTYH-related conditions. ClinVar contains an entry for this variant (Variation ID: 641274). Algorithms developed to predict the effect of sequence changes on RNA splicing suggest that this variant may disrupt the consensus splice site. For these reasons, this variant has been classified as Pathogenic.

Laboratory for Genotyping Development, RIKEN
Classification: Pathogenic for Gastric cancer. Last evaluated: 2021-07-01. Review status: no assertion criteria provided. Collection method: research. Allele origin: germline. Not counted in ClinVar's aggregate classification.

Literature cited by the submitters: PubMed 18534194 (cited by Labcorp Genetics (formerly Invitae), Labcorp); PubMed 20663686 (cited by Labcorp Genetics (formerly Invitae), Labcorp); PubMed 36988593 (cited by Laboratory for Genotyping Development, RIKEN).